The following is an entry in ClinVar:

ClinVar aggregate classification (germline): Pathogenic/Likely pathogenic. Review status: criteria provided, multiple submitters, no conflicts (2 of 4 stars). 5 submissions from 5 submitters: Pathogenic (2); Likely pathogenic (3). Last evaluated 2026-01-08.

Conditions:
Intellectual disability, X-linked 102 (MRXSSB). Also called: Intellectual developmental disorder, X-linked syndromic, Snijders Blok type. Identifiers: Orphanet 457260, MedGen C5393299, MONDO:0010497, OMIM 300958.

Submissions (5):

Kasturba Medical College, Manipal, Kasturba Medical College, Manipal, Manipal Academy of Higher Education, Manipal, India
Classification: Likely pathogenic for Intellectual disability, X-linked 102. Last evaluated: 2026-01-08. Review status: criteria provided, single submitter. Criteria: ACMG Guidelines, 2015. Collection method: research. Allele origin: de novo. Inheritance: X-linked dominant inheritance. Affected: yes. Observed: 1 heterozygote.
Comment: This variant is absent in the gnomAD (v4.1.0) population database, and in our in-house data of 3946 exomes. This variant has been reported in ClinVar as pathogenic/likely pathogenic by four submitters in association with intellectual developmental disorder (ClinVar ID: VCV000545446.8). In-silico analysis tools (REVEL and CADD_phred) predict the variant to be damaging to the DDX3X protein function.

Labcorp Genetics (formerly Invitae), Labcorp
Classification: Pathogenic. Last evaluated: 2022-07-13. Review status: criteria provided, single submitter. Criteria: Invitae Variant Classification Sherloc (09022015). Collection method: clinical testing. Allele origin: germline.
Comment: For these reasons, this variant has been classified as Pathogenic. Algorithms developed to predict the effect of sequence changes on RNA splicing suggest that this variant may create or strengthen a splice site. Algorithms developed to predict the effect of missense changes on protein structure and function are either unavailable or do not agree on the potential impact of this missense change (SIFT: "Deleterious"; PolyPhen-2: "Not Available"; Align-GVGD: "Class C0"). ClinVar contains an entry for this variant (Variation ID: 545446). This missense change has been observed in individual(s) with clinical features of an X-linked intellectual disability syndrome (Invitae). In at least one individual the variant was observed to be de novo. This variant is not present in population databases (gnomAD no frequency). This sequence change replaces tyrosine, which is neutral and polar, with cysteine, which is neutral and slightly polar, at codon 38 of the DDX3X protein (p.Tyr38Cys).

Laboratory of Human Genetics, Universidade de São Paulo
Classification: Pathogenic for Intellectual disability, X-linked 102. Last evaluated: 2022-03-16. Review status: criteria provided, single submitter. Criteria: ACMG Guidelines, 2015. Collection method: research. Allele origin: de novo. Inheritance: X-linked dominant inheritance. Affected: yes. Observed: 1 heterozygote.

Johns Hopkins Genomics, Johns Hopkins University
Classification: Likely pathogenic for Intellectual disability, X-linked 102. Last evaluated: 2021-04-07. Review status: criteria provided, single submitter. Criteria: ACMG Guidelines, 2015. Collection method: clinical testing. Allele origin: germline.
Comment: This DDX3X variant (rs1555951993) is absent in a large population dataset and has an entry in ClinVar. Two bioinformatics tools queried predict that p.Tyr38Cys would be damaging, while another predicts it would be tolerated. The tyrosine residue at this position is strongly conserved across the vertebrate species assessed. This variant is not predicted to affect normal exon 3 splicing, although this has not been confirmed experimentally to our knowledge. We consider c.113A>G to be likely pathogenic.

Equipe Genetique des Anomalies du Developpement, Université de Bourgogne
Classification: Likely pathogenic for Intellectual disability, X-linked 102. Last evaluated: 2017-04-19. Review status: criteria provided, single submitter. Criteria: ACMG Guidelines, 2015. Collection method: clinical testing. Allele origin: de novo. Affected: yes. Observed: 1 heterozygote.

Literature cited by the submitters: PubMed 26235985 (cited by Johns Hopkins Genomics, Johns Hopkins University); PubMed 30734472 (cited by Johns Hopkins Genomics, Johns Hopkins University); PubMed 32135084 (cited by Johns Hopkins Genomics, Johns Hopkins University).

NM_001356.5(DDX3X):c.113A>G (p.Tyr38Cys)

Gene: DDX3X (DEAD-box helicase 3 X-linked; plus strand). Cytogenetic location: Xp11.4.
Variant type: single nucleotide variant.
Coding change: c.113A>G on transcript NM_001356.5 (MANE Select); coding-DNA position 113, A replaced by G.
Protein change: p.Tyr38Cys; replaces tyrosine 38 with cysteine.
Molecular consequence: missense variant. On other transcripts: 5 prime UTR variant (1), non-coding transcript variant (1), intron variant (1).
Genome position (GRCh38, 1-based): chrX:41,339,045, A>G. VCF-style: chrX-41339045-A-G. GRCh37 (hg19) VCF-style: chrX-41198298-A-G.
Other names: c.113A>G, p.Tyr38Cys (NM_001193416.3); c.-446A>G (NM_001363819.1); c.103+1580A>G (NM_001193417.3); short protein forms Y38C.
Identifiers: ClinVar variation 545446 (VCV000545446.10), dbSNP rs1555951993, ClinGen allele CA412762885.
Genomic context (GRCh38, chrX:41,339,045, plus strand): 5'-GGAAGGTTTTTTGGCATTTAATTAATTTTATATATATATATATTTTTTTAGAAGGGCGCT[A>G]TATTCCTCCTCATTTAAGGAACCGAGAAGCTACTAAAGGTAGGTCCTCACAAGTAACTTC-3'
Protein context (NP_001347.3, residues 28-48): SGGSTASKGR[Tyr38Cys]IPPHLRNREA